The following is an entry in ClinVar:

ClinVar aggregate classification (germline): Likely benign. Review status: criteria provided, multiple submitters, no conflicts (2 of 4 stars). 5 submissions from 5 submitters: Likely benign (4). 1 of the submissions does not count toward it. Last evaluated 2025-12-07.

Conditions:
RYR1-related disorder. Also called: RYR1-related disorders; RYR1-related condition. Identifiers: MedGen CN239331.
Malignant hyperthermia, susceptibility to, 1 (MHS1). Also called: Malignant hyperthermia suceptibility 1; RYR1-Related Malignant Hyperthermia Susceptibility; Anesthesia related hyperthermia; Malignant hyperpyrexia; Fulminating hyperpyrexia; Pharmacogenic myopathy. Identifiers: Orphanet 423, MedGen C2930980, MONDO:0007783, OMIM 145600.

Allele frequency attached by ClinVar (database versions not stated): gnomAD exomes 0.00001 and 0.00004; ExAC 0.00002; TOPMed 0.00002.
gnomAD v4.1: 23 of 1,613,546 alleles (0.0014%); highest among the groups gnomAD compares: Middle Eastern, 0.016%; no homozygotes.

Submissions (5):

Labcorp Genetics (formerly Invitae), Labcorp
Classification: Likely benign for RYR1-related disorder. Last evaluated: 2025-12-07. Review status: criteria provided, single submitter. Criteria: Invitae Variant Classification Sherloc (09022015). Collection method: clinical testing. Allele origin: germline.

Blueprint Genetics
Classification: Likely benign. Last evaluated: 2024-04-16. Review status: criteria provided, single submitter. Criteria: ACMG Guidelines, 2015. Collection method: clinical testing. Allele origin: germline.

All of Us Research Program, National Institutes of Health
Classification: Likely benign for Malignant hyperthermia, susceptibility to, 1. Last evaluated: 2023-12-18. Review status: criteria provided, single submitter. Criteria: ACMG Guidelines, 2015. Collection method: clinical testing. Allele origin: germline. Inheritance: Autosomal dominant inheritance. Observed: 6 variant alleles, 6 heterozygotes.
Comment: This variant is located in the RYR1 protein. To our knowledge, functional studies have not been reported for this variant. This variant has not been reported in individuals affected with RYR1-related disorders in the literature. This variant has been identified in 9/244256 chromosomes in the general population by the Genome Aggregation Database (gnomAD). The available evidence is insufficient to determine the role of this variant in disease conclusively. Therefore, this variant is classified as a Variant of Uncertain Significance.

This study involves interpretation of variants in research participants for the purpose of population health screening. Participant phenotype was not available at the time of variant classification. Additional details can be found in publication PMID: 35346344, PMCID: PMC8962531

Color Diagnostics, LLC DBA Color Health
Classification: Likely benign for Malignant hyperthermia, susceptibility to, 1. Last evaluated: 2023-11-29. Review status: criteria provided, single submitter. Criteria: ACMG Guidelines, 2015. Collection method: clinical testing. Allele origin: germline.

PreventionGenetics, part of Exact Sciences
Classification: Likely benign for RYR1-related condition. Last evaluated: 2023-09-08. Review status: no assertion criteria provided. Collection method: clinical testing. Allele origin: germline. Not counted in ClinVar's aggregate classification.
Comment: This variant is classified as likely benign based on ACMG/AMP sequence variant interpretation guidelines (Richards et al. 2015 PMID: 25741868, with internal and published modifications).

NM_000540.3(RYR1):c.5346C>T (p.Phe1782=)

Gene: RYR1 (ryanodine receptor 1; plus strand). Cytogenetic location: 19q13.2.
Variant type: single nucleotide variant.
Coding change: c.5346C>T on transcript NM_000540.3 (MANE Select); coding-DNA position 5346, C replaced by T.
Protein change: p.Phe1782=; no amino-acid change (phenylalanine 1782 retained).
Molecular consequence: synonymous variant.
Genome position (GRCh38, 1-based): chr19:38,486,001, C>T. VCF-style: chr19-38486001-C-T. GRCh37 (hg19) VCF-style: chr19-38976641-C-T.
Other names: c.5346C>T, p.Phe1782= (NM_001042723.2); c.5346C>T (NM_000540.2).
Identifiers: ClinVar variation 1089041 (VCV001089041.13), dbSNP rs762772302, ClinGen allele CA066930.